The following is an entry in ClinVar:

ClinVar aggregate classification (germline): Uncertain significance (1 of 4 stars; one submission).

Conditions:
SCN3A-related disorder. Also called: SCN3A-related condition.

Submission:

PreventionGenetics, part of Exact Sciences
Classification: Uncertain significance for SCN3A-related condition. Last evaluated: 2023-06-22. Review status: criteria provided, single submitter. Criteria: ACMG Guidelines, 2015. Collection method: clinical testing. Allele origin: germline.
Comment: The SCN3A c.5191_5192delinsGA variant is predicted to result in an in-frame deletion and insertion. To our knowledge, this variant has not been reported in the literature or in a large population database, indicating this variant is rare. At this time, the clinical significance of this variant is uncertain due to the absence of conclusive functional and genetic evidence.

NM_006922.4(SCN3A):c.5191_5192delinsGA (p.Ile1731Asp)

Gene: SCN3A (sodium voltage-gated channel alpha subunit 3; minus strand). Cytogenetic location: 2q24.3.
Variant type: Indel.
Coding change: c.5191_5192delinsGA on transcript NM_006922.4 (MANE Select); coding-DNA positions 5191 to 5192, AT replaced by GA.
Protein change: p.Ile1731Asp; replaces isoleucine 1731 with aspartic acid.
Molecular consequence: missense variant.
Genome position (GRCh38, 1-based): chr2:165,090,961-165,090,962, AT replaced by TC on the plus strand (AT replaced by GA on the coding strand, the reverse complement: SCN3A is on the minus strand). VCF-style: chr2-165090961-AT-TC. GRCh37 (hg19) VCF-style: chr2-165947471-AT-TC.
Other names: c.5044_5045delinsGA, p.Ile1682Asp (NM_001081676.2, NM_001081677.2); short protein forms I1682D, I1731D.
Identifiers: ClinVar variation 2632188 (VCV002632188.1), dbSNP rs2468040412, ClinGen allele CA2695197070.